The following is an entry in ClinVar:

ClinVar aggregate classification (germline): Uncertain significance (1 of 4 stars; one submission).

Conditions:
Oculofaciocardiodental syndrome (MCOPS2). Identifiers: Orphanet 2712, MedGen C1846265, MONDO:0010261, OMIM 300166.

Allele frequency attached by ClinVar (database versions not stated): gnomAD 0.00001; gnomAD exomes 0.00001; TOPMed 0.00001; ESP Exome Variant Server 0.00009.

Submission:

Labcorp Genetics (formerly Invitae), Labcorp
Classification: Uncertain significance for Oculofaciocardiodental syndrome. Last evaluated: 2023-10-07. Review status: criteria provided, single submitter. Criteria: Invitae Variant Classification Sherloc (09022015). Collection method: clinical testing. Allele origin: germline.
Comment: This sequence change replaces arginine, which is basic and polar, with glycine, which is neutral and non-polar, at codon 342 of the BCOR protein (p.Arg342Gly). This variant is present in population databases (rs151177114, gnomAD 0.001%). This variant has not been reported in the literature in individuals affected with BCOR-related conditions. An algorithm developed to predict the effect of missense changes on protein structure and function (PolyPhen-2) suggests that this variant is likely to be disruptive. In summary, the available evidence is currently insufficient to determine the role of this variant in disease. Therefore, it has been classified as a Variant of Uncertain Significance.

NM_001123385.2(BCOR):c.1024C>G (p.Arg342Gly)

Genes: BCOR (BCL6 corepressor; minus strand), LOC126863239 (MED14-independent group 3 enhancer GRCh37_chrX:39932994-39934193; plus strand). Cytogenetic location: Xp11.4.
Variant type: single nucleotide variant.
Coding change: c.1024C>G on transcript NM_001123385.2 (MANE Select); coding-DNA position 1024, C replaced by G.
Protein change: p.Arg342Gly; replaces arginine 342 with glycine.
Molecular consequence: missense variant.
Genome position (GRCh38, 1-based): chrX:40,074,322, G>C on the plus strand (C>G on the coding strand, the complement: BCOR is on the minus strand). VCF-style: chrX-40074322-G-C. GRCh37 (hg19) VCF-style: chrX-39933575-G-C.
Other names: c.1024C>G, p.Arg342Gly (NM_001123383.2, NM_001123384.2, NM_017745.6); short protein forms R342G.
Identifiers: ClinVar variation 2713218 (VCV002713218.3), dbSNP rs151177114, ClinGen allele CA327993585.